The following is an entry in ClinVar:

NM_020738.4(KIDINS220):c.1608A>G (p.Leu536=)

Gene: KIDINS220 (kinase D interacting substrate 220; minus strand). Cytogenetic location: 2p25.1.
Variant type: single nucleotide variant.
Coding change: c.1608A>G on transcript NM_020738.4 (MANE Select); coding-DNA position 1608, A replaced by G.
Protein change: p.Leu536=; no amino-acid change (leucine 536 retained).
Molecular consequence: synonymous variant. On other transcripts: non-coding transcript variant (2).
Genome position (GRCh38, 1-based): chr2:8,789,893, T>C on the plus strand (A>G on the coding strand, the complement: KIDINS220 is on the minus strand). VCF-style: chr2-8789893-T-C. GRCh37 (hg19) VCF-style: chr2-8930023-T-C.
Other names: c.1611A>G, p.Leu537= (NM_001348729.2, NM_001348731.2, NM_001348734.2 and 3 more transcripts); c.1608A>G, p.Leu536= (NM_001348732.2, NM_001348735.2, NM_001348738.2 and 3 more transcripts); c.1482A>G, p.Leu494= (NM_001348736.2).
Identifiers: ClinVar variation 3355134 (VCV003355134.1).

ClinVar aggregate classification (germline): Likely benign (0 of 4 stars; one submission).

Conditions:
KIDINS220-related disorder. Also called: KIDINS220-related condition.

gnomAD v4.1: 4 of 1,607,962 alleles (0.00025%); highest among the groups gnomAD compares: African/African-American, 0.004%; no homozygotes.

Submission:

PreventionGenetics, part of Exact Sciences
Classification: Likely benign for KIDINS220-related condition. Last evaluated: 2021-12-14. Review status: no assertion criteria provided. Collection method: clinical testing. Allele origin: germline.
Comment: This variant is classified as likely benign based on ACMG/AMP sequence variant interpretation guidelines (Richards et al. 2015 PMID: 25741868, with internal and published modifications).